The following is an entry in ClinVar:

NM_001378454.1(ALMS1):c.9113C>T (p.Pro3038Leu)

Gene: ALMS1 (ALMS1 centrosome and basal body associated protein; plus strand). Cytogenetic location: 2p13.1.
Variant type: single nucleotide variant.
Coding change: c.9113C>T on transcript NM_001378454.1 (MANE Select); coding-DNA position 9113, C replaced by T.
Protein change: p.Pro3038Leu; replaces proline 3038 with leucine.
Molecular consequence: missense variant.
Genome position (GRCh38, 1-based): chr2:73,491,072, C>T. VCF-style: chr2-73491072-C-T. GRCh37 (hg19) VCF-style: chr2-73718199-C-T.
Other names: c.9116C>T, p.Pro3039Leu (NM_015120.4); short protein forms P3039L, P3038L.
Identifiers: ClinVar variation 4704987 (VCV004704987.1).

ClinVar aggregate classification (germline): Uncertain significance (1 of 4 stars; one submission).

Conditions:
Alstrom syndrome (ALMS). Identifiers: Orphanet 64, MedGen C0268425, MONDO:0008763, OMIM 203800.

Submission:

Labcorp Genetics (formerly Invitae), Labcorp
Classification: Uncertain significance for Alstrom syndrome. Last evaluated: 2025-05-03. Review status: criteria provided, single submitter. Criteria: Invitae Variant Classification Sherloc (09022015). Collection method: clinical testing. Allele origin: germline.
Comment: This sequence change replaces proline, which is neutral and non-polar, with leucine, which is neutral and non-polar, at codon 3039 of the ALMS1 protein (p.Pro3039Leu). This variant is not present in population databases (gnomAD no frequency). This variant has not been reported in the literature in individuals affected with ALMS1-related conditions. Experimental studies and prediction algorithms are not available or were not evaluated, and the functional significance of this variant is currently unknown. In summary, the available evidence is currently insufficient to determine the role of this variant in disease. Therefore, it has been classified as a Variant of Uncertain Significance.